The following is an entry in ClinVar:

ClinVar aggregate classification (germline): Uncertain significance (1 of 4 stars; one submission).

Conditions:
Hereditary cancer-predisposing syndrome. Also called: Neoplastic Syndromes, Hereditary; Tumor predisposition; Hereditary Cancer Syndrome; Hereditary neoplastic syndrome. Identifiers: Orphanet 140162, MedGen C0027672, MeSH D009386, MONDO:0015356.

Submission:

Ambry Genetics
Classification: Uncertain significance for Hereditary cancer-predisposing syndrome. Last evaluated: 2026-03-25. Review status: criteria provided, single submitter. Criteria: Ambry Variant Classification Scheme 2023. Collection method: clinical testing. Allele origin: germline.
Comment: The c.1711+4A>G intronic variant results from an A to G substitution 4 nucleotides after coding exon 11 in the CDH1 gene. This nucleotide position is not well conserved in available vertebrate species. In silico splice site analysis for this alteration is inconclusive. Based on the available evidence, the clinical significance of this variant remains unclear.

NM_004360.5(CDH1):c.1711+4A>G

Gene: CDH1 (cadherin 1; plus strand). Cytogenetic location: 16q22.1.
Variant type: single nucleotide variant.
Coding change: c.1711+4A>G on transcript NM_004360.5 (MANE Select); 4 bases into the intron after coding-DNA position 1711, A replaced by G.
Molecular consequence: intron variant.
Genome position (GRCh38, 1-based): chr16:68,819,429, A>G. VCF-style: chr16-68819429-A-G. GRCh37 (hg19) VCF-style: chr16-68853332-A-G.
Other names: c.163+4A>G (NM_001317185.2); c.-254-2572A>G (NM_001317186.2); c.1528+4A>G (NM_001317184.2).
Identifiers: ClinVar variation 4868390 (VCV004868390.1).